The following is an entry in ClinVar:

NM_020821.3(VPS13C):c.2283A>T (p.Ala761=)

Gene: VPS13C (vacuolar protein sorting 13 homolog C; minus strand). Cytogenetic location: 15q22.2.
Variant type: single nucleotide variant.
Coding change: c.2283A>T on transcript NM_020821.3 (MANE Select); coding-DNA position 2283, A replaced by T.
Protein change: p.Ala761=; no amino-acid change (alanine 761 retained).
Molecular consequence: synonymous variant.
Genome position (GRCh38, 1-based): chr15:61,978,633, T>A on the plus strand (A>T on the coding strand, the complement: VPS13C is on the minus strand). VCF-style: chr15-61978633-T-A. GRCh37 (hg19) VCF-style: chr15-62270832-T-A.
Other names: c.2283A>T, p.Ala761= (NM_001018088.3); c.2154A>T, p.Ala718= (NM_017684.5, NM_018080.4).
Identifiers: ClinVar variation 3389349 (VCV003389349.14).

ClinVar aggregate classification (germline): Uncertain significance (1 of 4 stars; one submission).

gnomAD v4.1: 43 of 1,610,466 alleles (0.0027%); highest among the groups gnomAD compares: Non-Finnish European, 0.0031%; no homozygotes.

Submission:

CeGaT Center for Human Genetics Tuebingen
Classification: Uncertain significance. Last evaluated: 2024-09-01. Review status: criteria provided, single submitter. Criteria: CeGaT Center For Human Genetics Tuebingen Variant Classification Criteria Version 2. Collection method: clinical testing. Allele origin: germline. Affected: yes. Observed: 1 variant allele.
Comment: VPS13C: PM2:Supporting, BP4